The following is an entry in ClinVar:

ClinVar aggregate classification (germline): Uncertain significance (1 of 4 stars; one submission).

Conditions:
Developmental and epileptic encephalopathy, 25 (DEE25). Also called: Epileptic encephalopathy, early infantile, 25; Developmental and epileptic encephalopathy 25, with amelogenesis imperfecta; Epileptic encephalopathy, early infantile, 25, with amelogenesis imperfecta. Identifiers: Orphanet 442835, MedGen C4014621, MONDO:0014392, OMIM 615905.

Allele frequency attached by ClinVar (database versions not stated): gnomAD exomes below 0.00001; TOPMed below 0.00001.
gnomAD v4.1: 2 of 1,614,008 alleles (0.00012%); highest among the groups gnomAD compares: Non-Finnish European, 0.000085%; no homozygotes.

Submission:

Labcorp Genetics (formerly Invitae), Labcorp
Classification: Uncertain significance for Developmental and epileptic encephalopathy, 25. Last evaluated: 2020-09-23. Review status: criteria provided, single submitter. Criteria: Invitae Variant Classification Sherloc (09022015). Collection method: clinical testing. Allele origin: germline.
Comment: In summary, the available evidence is currently insufficient to determine the role of this variant in disease. Therefore, it has been classified as a Variant of Uncertain Significance. Algorithms developed to predict the effect of missense changes on protein structure and function (SIFT, PolyPhen-2, Align-GVGD) all suggest that this variant is likely to be tolerated, but these predictions have not been confirmed by published functional studies and their clinical significance is uncertain. This variant has not been reported in the literature in individuals with SLC13A5-related conditions. This variant is not present in population databases (ExAC no frequency). This sequence change replaces valine with alanine at codon 80 of the SLC13A5 protein (p.Val80Ala). The valine residue is weakly conserved and there is a small physicochemical difference between valine and alanine.

NM_177550.5(SLC13A5):c.239T>C (p.Val80Ala)

Gene: SLC13A5 (solute carrier family 13 member 5; minus strand). Cytogenetic location: 17p13.1.
Variant type: single nucleotide variant.
Coding change: c.239T>C on transcript NM_177550.5 (MANE Select); coding-DNA position 239, T replaced by C.
Protein change: p.Val80Ala; replaces valine 80 with alanine.
Molecular consequence: missense variant.
Genome position (GRCh38, 1-based): chr17:6,706,771, A>G on the plus strand (T>C on the coding strand, the complement: SLC13A5 is on the minus strand). VCF-style: chr17-6706771-A-G. GRCh37 (hg19) VCF-style: chr17-6610090-A-G.
Other names: c.239T>C, p.Val80Ala (NM_001143838.3, NM_001284509.2); c.110T>C, p.Val37Ala (NM_001284510.2); short protein forms V37A, V80A.
Identifiers: ClinVar variation 842674 (VCV000842674.10), dbSNP rs930818882, ClinGen allele CA287397264.